The following is an entry in ClinVar:

NM_015102.5(NPHP4):c.3911A>G (p.His1304Arg)

Gene: NPHP4 (nephrocystin 4; minus strand). Cytogenetic location: 1p36.31.
Variant type: single nucleotide variant.
Coding change: c.3911A>G on transcript NM_015102.5 (MANE Select); coding-DNA position 3911, A replaced by G.
Protein change: p.His1304Arg; replaces histidine 1304 with arginine.
Molecular consequence: missense variant. On other transcripts: non-coding transcript variant (1).
Genome position (GRCh38, 1-based): chr1:5,864,423, T>C on the plus strand (A>G on the coding strand, the complement: NPHP4 is on the minus strand). VCF-style: chr1-5864423-T-C. GRCh37 (hg19) VCF-style: chr1-5924483-T-C.
Other names: p.His1304Arg; c.2372A>G, p.His791Arg (NM_001291593.2); c.2375A>G, p.His792Arg (NM_001291594.2); short protein forms H1304R, H791R, H792R.
Identifiers: ClinVar variation 196138 (VCV000196138.24), dbSNP rs115488133, ClinGen allele CA242973.

ClinVar aggregate classification (germline): Conflicting classifications of pathogenicity. Review status: criteria provided, conflicting classifications (1 of 4 stars). 8 submissions from 7 submitters: Uncertain significance (4); Benign (1); Likely benign (2). 1 of the submissions does not count toward it. Last evaluated 2026-01-24.

Conditions:
NPHP4-related disorder. Also called: NPHP4-related condition; NPHP4-related disorders. Identifiers: MedGen CN239384.
Nephronophthisis. Also called: Juvenile Nephronophthisis. Identifiers: Orphanet 655, MedGen C0687120, MONDO:0019005, HP:0000090.
Senior-Loken syndrome 4 (SLSN4). Identifiers: Orphanet 3156, MedGen C1846979, MONDO:0011756, OMIM 606996.
Nephronophthisis 4 (NPHP4). Also called: NEPHRONOPHTHISIS 4, JUVENILE. Identifiers: Orphanet 655, MedGen C1847013, MONDO:0011752, OMIM 606966.

Allele frequency attached by ClinVar (database versions not stated): gnomAD exomes 0.00033; ExAC 0.00041; ESP Exome Variant Server 0.00048; gnomAD 0.00115 and 0.00124; TOPMed 0.00119; 1000 Genomes Project 30x 0.00172; 1000 Genomes Project 0.00180.
gnomAD v4.1: 408 of 1,611,438 alleles (0.025%); highest among the groups gnomAD compares: African/African-American, 0.49%; 1 homozygote.

Submissions (8):

Labcorp Genetics (formerly Invitae), Labcorp
Classification: Benign for Nephronophthisis. Last evaluated: 2026-01-24. Review status: criteria provided, single submitter. Criteria: Invitae Variant Classification Sherloc (09022015). Collection method: clinical testing. Allele origin: germline.

Blueprint Genetics
Classification: Likely benign. Last evaluated: 2024-08-06. Review status: criteria provided, single submitter. Criteria: ACMG Guidelines, 2015. Collection method: clinical testing. Allele origin: germline.

Mayo Clinic Laboratories, Mayo Clinic
Classification: Uncertain significance. Last evaluated: 2022-10-05. Review status: criteria provided, single submitter. Criteria: ACMG Guidelines, 2015. Collection method: clinical testing. Allele origin: germline. Observed: 3 variant alleles.
Comment: BS1

GeneDx
Classification: Uncertain significance. Last evaluated: 2020-07-02. Review status: criteria provided, single submitter. Criteria: GeneDx Variant Classification Process June 2021. Collection method: clinical testing. Allele origin: germline. Affected: yes.
Comment: Reported previously in trans with 2 other missense variants in NPHP4 in a patient with with a complex phenotype including skeletal and renal dysplasia, immunodeficiency, retinal degeneration and ovarian failure; however this proband was also noted have multiple other nonsynonomous gene variants either in the homozygous or compound heterozygous state and to have UPD2 (Carmichael et al., 2013); In silico analysis supports that this missense variant has a deleterious effect on protein structure/function; This variant is associated with the following publications: (PMID: 23167750)

Illumina Laboratory Services, Illumina
Classification: Uncertain significance for Nephronophthisis 4. Last evaluated: 2017-09-08. Review status: criteria provided, single submitter. Criteria: ICSL Variant Classification Criteria 13 December 2019. Collection method: clinical testing. Allele origin: germline.
Comment: This variant was observed as part of a predisposition screen in an ostensibly healthy population. A literature search was performed for the gene, cDNA change, and amino acid change (where applicable). Publications were found based on this search. However, the evidence from the literature, in combination with allele frequency data from public databases where available, was not sufficient to rule this variant in or out of causing disease. Therefore, this variant is classified as a variant of unknown significance.

Illumina Laboratory Services, Illumina
Classification: Uncertain significance for Senior-Loken syndrome 4. Last evaluated: 2017-09-08. Review status: criteria provided, single submitter. Criteria: ICSL Variant Classification Criteria 13 December 2019. Collection method: clinical testing. Allele origin: germline.
Comment: the same text as in the submission from Illumina Laboratory Services, Illumina above.

Eurofins Ntd Llc (ga)
Classification: Likely benign. Last evaluated: 2016-07-26. Review status: criteria provided, single submitter. Criteria: EGL Classification Definitions 2015. Collection method: clinical testing. Allele origin: germline. Observed: 2 variant alleles, 2 heterozygotes.

PreventionGenetics, part of Exact Sciences
Classification: Likely benign for NPHP4-related condition. Last evaluated: 2019-09-17. Review status: no assertion criteria provided. Collection method: clinical testing. Allele origin: germline. Not counted in ClinVar's aggregate classification.
Comment: This variant is classified as likely benign based on ACMG/AMP sequence variant interpretation guidelines (Richards et al. 2015 PMID: 25741868, with internal and published modifications).

Literature cited by the submitters: PubMed 23167750 (cited by Mayo Clinic Laboratories, Mayo Clinic and Illumina Laboratory Services, Illumina).